The following is an entry in ClinVar:

ClinVar aggregate classification (germline): Uncertain significance (1 of 4 stars; one submission).

Conditions:
Autosomal recessive hypohidrotic ectodermal dysplasia syndrome. Also called: Autosomal recessive hypohidrotic ectodermal dysplasia. Identifiers: Orphanet 248, MedGen C0406702, MONDO:0016619.
Ectodermal dysplasia 10A, hypohidrotic/hair/nail type, autosomal dominant (ECTD10A). Also called: Ectodermal Dysplasia 3, Anhidrotic. Identifiers: Orphanet 1810, Orphanet 238468, MedGen C3888065, MONDO:0007509, OMIM 129490.

Submission:

Labcorp Genetics (formerly Invitae), Labcorp
Classification: Uncertain significance for Ectodermal dysplasia 10A, hypohidrotic/hair/nail type, autosomal dominant; Autosomal recessive hypohidrotic ectodermal dysplasia syndrome. Last evaluated: 2022-11-06. Review status: criteria provided, single submitter. Criteria: Invitae Variant Classification Sherloc (09022015). Collection method: clinical testing. Allele origin: germline.
Comment: In summary, the available evidence is currently insufficient to determine the role of this variant in disease. Therefore, it has been classified as a Variant of Uncertain Significance. Advanced modeling of protein sequence and biophysical properties (such as structural, functional, and spatial information, amino acid conservation, physicochemical variation, residue mobility, and thermodynamic stability) performed at Invitae indicates that this missense variant is expected to disrupt EDAR protein function. This variant has not been reported in the literature in individuals affected with EDAR-related conditions. This variant is not present in population databases (gnomAD no frequency). This sequence change replaces aspartic acid, which is acidic and polar, with tyrosine, which is neutral and polar, at codon 422 of the EDAR protein (p.Asp422Tyr).

NM_022336.4(EDAR):c.1264G>T (p.Asp422Tyr)

Genes: RANBP2 (RAN binding protein 2; plus strand), EDAR (ectodysplasin A receptor; minus strand). Cytogenetic location: 2q13.
Variant type: single nucleotide variant.
Coding change: c.1264G>T on transcript NM_022336.4 (MANE Select); coding-DNA position 1264, G replaced by T.
Protein change: p.Asp422Tyr; replaces aspartic acid 422 with tyrosine.
Molecular consequence: missense variant.
Genome position (GRCh38, 1-based): chr2:108,896,990, C>A on the plus strand (G>T on the coding strand, the complement: EDAR is on the minus strand). VCF-style: chr2-108896990-C-A. GRCh37 (hg19) VCF-style: chr2-109513446-C-A.
Other names: short protein forms D422Y.
Identifiers: ClinVar variation 2941351 (VCV002941351.3), dbSNP rs1388587376, ClinGen allele CA348047733.
Genomic context (GRCh38, chr2:108,896,990, plus strand): 5'-AGGCAGGTGGCACAACCCCCGCCCACTCCAGTATGTCTGCACACAAGGACTCCACAGCAT[C>A]CAGCCGCTCAATCTGCACCAGTTTTGTGAGTAGCTCAGGGATGCTGTAGCCTGCCGTGCT-3'
Protein context (NP_071731.1, residues 412-432): LTKLVQIERL[Asp422Tyr]AVESLCADIL